The following is an entry in ClinVar:

ClinVar aggregate classification (germline): Uncertain significance (1 of 4 stars; one submission).

Conditions:
Aortic aneurysm, familial thoracic 4 (AAT4). Also called: AORTIC ANEURYSM/AORTIC DISSECTION AND PATENT DUCTUS ARTERIOSUS. Identifiers: MedGen C1851504, MONDO:0007568, OMIM 132900.

Submission:

Labcorp Genetics (formerly Invitae), Labcorp
Classification: Uncertain significance for Aortic aneurysm, familial thoracic 4. Last evaluated: 2021-06-21. Review status: criteria provided, single submitter. Criteria: Invitae Variant Classification Sherloc (09022015). Collection method: clinical testing. Allele origin: germline.
Comment: This variant has been observed in individual(s) with thoracic aortic aneurysm (Invitae). This variant results in a copy number gain of the genomic region encompassing exon(s) 3-42 of the MYH11 gene. The 5' boundary is likely confined to intron 2. The 3' end of this event is unknown as it extends beyond the assayed region for this gene and therefore may encompass additional genes. As the precise location of this event is unknown, it may be in tandem or it may be located elsewhere in the genome. In summary, the available evidence is currently insufficient to determine the role of this variant in disease. Therefore, it has been classified as a Variant of Uncertain Significance.

NC_000016.9:g.(?_15802668)_(15917288_?)dup

Genes: MYH11 (myosin heavy chain 11; minus strand), NDE1 (nudE neurodevelopment protein 1; plus strand). Cytogenetic location: 16p13.11.
Variant type: Duplication.
Identifiers: ClinVar variation 1511215 (VCV001511215.4).